The following is an entry in ClinVar:

ClinVar aggregate classification (germline): Uncertain significance. Review status: criteria provided, multiple submitters, no conflicts (2 of 4 stars). 2 submissions from 2 submitters: Uncertain significance (2). Last evaluated 2020-06-21.

Conditions:
Hereditary cancer-predisposing syndrome. Also called: Neoplastic Syndromes, Hereditary; Tumor predisposition; Hereditary Cancer Syndrome; Hereditary neoplastic syndrome. Identifiers: Orphanet 140162, MedGen C0027672, MeSH D009386, MONDO:0015356.
Hereditary nonpolyposis colorectal neoplasms. Identifiers: MedGen C0009405, MeSH D003123.

gnomAD v4.1: 1 of 1,614,044 alleles (0.000062%); highest among the groups gnomAD compares: South Asian, 0.0011%; no homozygotes.

Submissions (2):

Labcorp Genetics (formerly Invitae), Labcorp
Classification: Uncertain significance for Hereditary nonpolyposis colorectal neoplasms. Last evaluated: 2020-06-21. Review status: criteria provided, single submitter. Criteria: Invitae Variant Classification Sherloc (09022015). Collection method: clinical testing. Allele origin: germline.
Comment: This sequence change replaces alanine with valine at codon 704 of the MSH6 protein (p.Ala704Val). The alanine residue is weakly conserved and there is a small physicochemical difference between alanine and valine. In summary, the available evidence is currently insufficient to determine the role of this variant in disease. Therefore, it has been classified as a Variant of Uncertain Significance. Algorithms developed to predict the effect of sequence changes on RNA splicing suggest that this variant may create or strengthen a splice site, but this prediction has not been confirmed by published transcriptional studies. Algorithms developed to predict the effect of missense changes on protein structure and function (SIFT, PolyPhen-2, Align-GVGD) all suggest that this variant is likely to be tolerated, but these predictions have not been confirmed by published functional studies and their clinical significance is uncertain. This variant has not been reported in the literature in individuals with MSH6-related conditions. ClinVar contains an entry for this variant (Variation ID: 483772). This variant is not present in population databases (ExAC no frequency).

Ambry Genetics
Classification: Uncertain significance for Hereditary cancer-predisposing syndrome. Last evaluated: 2016-01-19. Review status: criteria provided, single submitter. Criteria: Ambry Variant Classification Scheme 2023. Collection method: clinical testing. Allele origin: germline.
Comment: The p.A704V variant (also known as c.2111C>T), located in coding exon 4 of the MSH6 gene, results from a C to T substitution at nucleotide position 2111. The alanine at codon 704 is replaced by valine, an amino acid with similar properties. This variant was not reported in population based cohorts in the following databases: Database of Single Nucleotide Polymorphisms (dbSNP), NHLBI Exome Sequencing Project (ESP), and 1000 Genomes Project. In the ESP, this variant was not observed in 6503 samples (13006 alleles) with coverage at this position. To date, this alteration has been detected with an allele frequency of approximately 0.001% (greater than 115000 alleles tested) in our clinical cohort. This amino acid position is well conserved in available vertebrate species. In addition, the in silico prediction for this alteration is inconclusive. In addition, the CoDP in silico tool predicts this alteration to have minor impact on molecular function, with a score of 0.307 (Terui H et al. J. Biomed. Sci. 2013;20:25). Since supporting evidence is limited at this time, the clinical significance of this alteration remains unclear.

NM_000179.3(MSH6):c.2111C>T (p.Ala704Val)

Gene: MSH6 (mutS homolog 6; plus strand). Cytogenetic location: 2p16.3.
Variant type: single nucleotide variant.
Coding change: c.2111C>T on transcript NM_000179.3 (MANE Select); coding-DNA position 2111, C replaced by T.
Protein change: p.Ala704Val; replaces alanine 704 with valine.
Molecular consequence: missense variant.
Genome position (GRCh38, 1-based): chr2:47,800,094, C>T. VCF-style: chr2-47800094-C-T. GRCh37 (hg19) VCF-style: chr2-48027233-C-T.
Other names: c.1721C>T, p.Ala574Val (NM_001281492.2); c.1205C>T, p.Ala402Val (NM_001281493.2, NM_001281494.2); short protein forms A704V, A402V, A574V.
Identifiers: ClinVar variation 483772 (VCV000483772.14), dbSNP rs370237509, ClinGen allele CA346750947.